The following is an entry in ClinVar:

ClinVar aggregate classification (germline): Uncertain significance. Review status: criteria provided, multiple submitters, no conflicts (2 of 4 stars). 2 submissions from 2 submitters: Uncertain significance (2). Last evaluated 2022-12-17.

Conditions:
Charcot-Marie-Tooth disease. Also called: Charcot-Marie-Tooth Hereditary Neuropathy; Charcot-Marie-Tooth Neuropathy. Identifiers: Orphanet 166, MedGen C0007959, MONDO:0015626.

gnomAD v4.1: 1 of 1,614,016 alleles (0.000062%); highest among the groups gnomAD compares: Non-Finnish European, 0.000085%; no homozygotes.

Submissions (2):

Ambry Genetics
Classification: Uncertain significance. Last evaluated: 2022-12-17. Review status: criteria provided, single submitter. Criteria: Ambry Variant Classification Scheme 2023. Collection method: clinical testing. Allele origin: germline.
Comment: The p.P607H variant (also known as c.1820C>A), located in coding exon 18 of the KIF1B gene, results from a C to A substitution at nucleotide position 1820. The proline at codon 607 is replaced by histidine, an amino acid with similar properties. This amino acid position is conserved. In addition, the in silico prediction for this alteration is inconclusive. Since supporting evidence is limited at this time, the clinical significance of this alteration remains unclear.

Molecular Genetics Laboratory, London Health Sciences Centre
Classification: Uncertain significance for Charcot-Marie-Tooth disease. Review status: criteria provided, single submitter. Criteria: ACMG Guidelines, 2015. Collection method: clinical testing. Allele origin: germline. Affected: yes.

NM_001365951.3(KIF1B):c.1958C>A (p.Pro653His)

Gene: KIF1B (kinesin family member 1B; plus strand). Cytogenetic location: 1p36.22.
Variant type: single nucleotide variant.
Coding change: c.1958C>A on transcript NM_001365951.3 (MANE Select); coding-DNA position 1958, C replaced by A.
Protein change: p.Pro653His; replaces proline 653 with histidine.
Molecular consequence: missense variant.
Genome position (GRCh38, 1-based): chr1:10,296,993, C>A. VCF-style: chr1-10296993-C-A. GRCh37 (hg19) VCF-style: chr1-10357051-C-A.
Other names: c.1958C>A, p.Pro653His (NM_001365952.1); c.1820C>A, p.Pro607His (NM_001365953.1, NM_015074.3, NM_183416.4); short protein forms P607H, P653H.
Identifiers: ClinVar variation 917341 (VCV000917341.3), dbSNP rs1650299804, ClinGen allele CA338316952.